The following is an entry in ClinVar:

NM_000287.4(PEX6):c.303G>A (p.Pro101=)

Gene: PEX6 (peroxisomal biogenesis factor 6; minus strand). Cytogenetic location: 6p21.1.
Variant type: single nucleotide variant.
Coding change: c.303G>A on transcript NM_000287.4 (MANE Select); coding-DNA position 303, G replaced by A.
Protein change: p.Pro101=; no amino-acid change (proline 101 retained).
Molecular consequence: synonymous variant. On other transcripts: non-coding transcript variant (1).
Genome position (GRCh38, 1-based): chr6:42,978,848, C>T on the plus strand (G>A on the coding strand, the complement: PEX6 is on the minus strand). VCF-style: chr6-42978848-C-T. GRCh37 (hg19) VCF-style: chr6-42946586-C-T.
Other names: c.303G>A, p.Pro101= (NM_001316313.2).
Identifiers: ClinVar variation 1676018 (VCV001676018.33), dbSNP rs1032414476, ClinGen allele CA138238486.

ClinVar aggregate classification (germline): Likely benign (1 of 4 stars; one submission).

Allele frequency attached by ClinVar (database versions not stated): gnomAD exomes 0.00002.
gnomAD v4.1: 23 of 1,510,518 alleles (0.0015%); highest among the groups gnomAD compares: Non-Finnish European, 0.002%; no homozygotes.

Submission:

CeGaT Center for Human Genetics Tuebingen
Classification: Likely benign. Last evaluated: 2022-03-01. Review status: criteria provided, single submitter. Criteria: CeGaT Center For Human Genetics Tuebingen Variant Classification Criteria Version 2. Collection method: clinical testing. Allele origin: germline. Affected: yes. Observed: 1 variant allele.
Comment: PEX6: BP4, BP7